The following is an entry in ClinVar:

NM_170601.5(SIAE):c.673G>A (p.Ala225Thr)

Gene: SIAE (sialic acid acetylesterase; minus strand). Cytogenetic location: 11q24.2.
Variant type: single nucleotide variant.
Coding change: c.673G>A on transcript NM_170601.5 (MANE Select); coding-DNA position 673, G replaced by A.
Protein change: p.Ala225Thr; replaces alanine 225 with threonine.
Molecular consequence: missense variant.
Genome position (GRCh38, 1-based): chr11:124,649,668, C>T on the plus strand (G>A on the coding strand, the complement: SIAE is on the minus strand). VCF-style: chr11-124649668-C-T. GRCh37 (hg19) VCF-style: chr11-124519564-C-T.
Other names: c.568G>A, p.Ala190Thr (NM_001199922.2); short protein forms A225T, A190T.
Identifiers: ClinVar variation 1486466 (VCV001486466.6), dbSNP rs749370370, ClinGen allele CA6341445.

ClinVar aggregate classification (germline): Uncertain significance (1 of 4 stars; one submission).

Allele frequency attached by ClinVar (database versions not stated): gnomAD exomes 0.00002 and 0.00005; ExAC 0.00004.
gnomAD v4.1: 11 of 1,614,210 alleles (0.00068%); highest among the groups gnomAD compares: Admixed American, 0.017%; no homozygotes.

Submission:

Labcorp Genetics (formerly Invitae), Labcorp
Classification: Uncertain significance. Last evaluated: 2022-05-06. Review status: criteria provided, single submitter. Criteria: Invitae Variant Classification Sherloc (09022015). Collection method: clinical testing. Allele origin: germline.
Comment: In summary, the available evidence is currently insufficient to determine the role of this variant in disease. Therefore, it has been classified as a Variant of Uncertain Significance. Algorithms developed to predict the effect of missense changes on protein structure and function are either unavailable or do not agree on the potential impact of this missense change (SIFT: "Deleterious"; PolyPhen-2: "Benign"; Align-GVGD: "Class C0"). This variant has not been reported in the literature in individuals affected with SIAE-related conditions. This variant is present in population databases (rs749370370, gnomAD 0.04%). This sequence change replaces alanine, which is neutral and non-polar, with threonine, which is neutral and polar, at codon 225 of the SIAE protein (p.Ala225Thr).